The following is an entry in ClinVar:

NM_003737.4(DCHS1):c.3370G>A (p.Val1124Met)

Gene: DCHS1 (dachsous cadherin-related 1; minus strand). Cytogenetic location: 11p15.4.
Variant type: single nucleotide variant.
Coding change: c.3370G>A on transcript NM_003737.4 (MANE Select); coding-DNA position 3370, G replaced by A.
Protein change: p.Val1124Met; replaces valine 1124 with methionine.
Molecular consequence: missense variant.
Genome position (GRCh38, 1-based): chr11:6,632,142, C>T on the plus strand (G>A on the coding strand, the complement: DCHS1 is on the minus strand). VCF-style: chr11-6632142-C-T. GRCh37 (hg19) VCF-style: chr11-6653373-C-T.
Other names: c.3370G>A (NM_003737.2); short protein forms V1124M.
Identifiers: ClinVar variation 1200097 (VCV001200097.10), dbSNP rs200822079, ClinGen allele CA5860557.

ClinVar aggregate classification (germline): Uncertain significance. Review status: criteria provided, multiple submitters, no conflicts (2 of 4 stars). 3 submissions from 3 submitters: Uncertain significance (3). Last evaluated 2025-12-30.

Conditions:
Inborn genetic diseases. Identifiers: MedGen C0950123, MeSH D030342.

Allele frequency attached by ClinVar (database versions not stated): 1000 Genomes Project 30x 0.00016; 1000 Genomes Project 0.00020; ExAC 0.00025; gnomAD exomes 0.00025; TOPMed 0.00032; gnomAD 0.00033 and 0.00034; ESP Exome Variant Server 0.00038.
gnomAD v4.1: 914 of 1,586,852 alleles (0.058%); highest among the groups gnomAD compares: Non-Finnish European, 0.073%; 1 homozygote.

Submissions (3):

Labcorp Genetics (formerly Invitae), Labcorp
Classification: Uncertain significance. Last evaluated: 2025-12-30. Review status: criteria provided, single submitter. Criteria: Invitae Variant Classification Sherloc (09022015). Collection method: clinical testing. Allele origin: germline.
Comment: This sequence change replaces valine, which is neutral and non-polar, with methionine, which is neutral and non-polar, at codon 1124 of the DCHS1 protein (p.Val1124Met). This variant is present in population databases (rs200822079, gnomAD 0.05%). This variant has not been reported in the literature in individuals affected with DCHS1-related conditions. ClinVar contains an entry for this variant (Variation ID: 1200097). Invitae Evidence Modeling of protein sequence and biophysical properties (such as structural, functional, and spatial information, amino acid conservation, physicochemical variation, residue mobility, and thermodynamic stability) indicates that this missense variant is expected to disrupt DCHS1 protein function with a positive predictive value of 80%. In summary, the available evidence is currently insufficient to determine the role of this variant in disease. Therefore, it has been classified as a Variant of Uncertain Significance.

Ambry Genetics
Classification: Uncertain significance for Inborn genetic diseases. Last evaluated: 2022-07-19. Review status: criteria provided, single submitter. Criteria: Ambry Variant Classification Scheme 2023. Collection method: clinical testing. Allele origin: germline.

GeneDx
Classification: Uncertain significance. Last evaluated: 2021-06-21. Review status: criteria provided, single submitter. Criteria: GeneDx Variant Classification Process June 2021. Collection method: clinical testing. Allele origin: germline. Affected: yes.
Comment: In silico analysis supports that this missense variant does not alter protein structure/function; Has not been previously published as pathogenic or benign to our knowledge; This variant is associated with the following publications: (PMID: 27535533)